The following is an entry in ClinVar:

NM_001378454.1(ALMS1):c.2778T>C (p.Leu926=)

Gene: ALMS1 (ALMS1 centrosome and basal body associated protein; plus strand). Cytogenetic location: 2p13.1.
Variant type: single nucleotide variant.
Coding change: c.2778T>C on transcript NM_001378454.1 (MANE Select); coding-DNA position 2778, T replaced by C.
Protein change: p.Leu926=; no amino-acid change (leucine 926 retained).
Molecular consequence: synonymous variant.
Genome position (GRCh38, 1-based): chr2:73,449,305, T>C. VCF-style: chr2-73449305-T-C. GRCh37 (hg19) VCF-style: chr2-73676432-T-C.
Other names: c.2781T>C, p.Leu927= (NM_015120.4).
Identifiers: ClinVar variation 3353566 (VCV003353566.1).

ClinVar aggregate classification (germline): Likely benign (0 of 4 stars; one submission).

Conditions:
ALMS1-related disorder. Also called: ALMS1-related condition.

gnomAD v4.1: 2 of 1,613,948 alleles (0.00012%); highest among the groups gnomAD compares: Non-Finnish European, 0.00017%; no homozygotes.

Submission:

PreventionGenetics, part of Exact Sciences
Classification: Likely benign for ALMS1-related condition. Last evaluated: 2022-05-23. Review status: no assertion criteria provided. Collection method: clinical testing. Allele origin: germline.
Comment: This variant is classified as likely benign based on ACMG/AMP sequence variant interpretation guidelines (Richards et al. 2015 PMID: 25741868, with internal and published modifications).